The following is an entry in ClinVar:

NM_001042492.3(NF1):c.8192T>C (p.Ile2731Thr)

Gene: NF1 (neurofibromin 1; plus strand). Cytogenetic location: 17q11.2.
Variant type: single nucleotide variant.
Coding change: c.8192T>C on transcript NM_001042492.3 (MANE Select); coding-DNA position 8192, T replaced by C.
Protein change: p.Ile2731Thr; replaces isoleucine 2731 with threonine.
Molecular consequence: missense variant.
Genome position (GRCh38, 1-based): chr17:31,360,518, T>C. VCF-style: chr17-31360518-T-C. GRCh37 (hg19) VCF-style: chr17-29687536-T-C.
Other names: c.8129T>C, p.Ile2710Thr (NM_000267.4); short protein forms I2710T, I2731T.
Identifiers: ClinVar variation 936582 (VCV000936582.7), dbSNP rs1567628605, ClinGen allele CA399204459.
Genomic context (GRCh38, chr17:31,360,518, plus strand): 5'-CTAAAATAATTTCCTATTTTCCATTACAGCAAACACAAATTCCAGACTATGCTGAGCTTA[T>C]TGTTAAGTTTCTTGATGCCTTGATTGACACGTACCTGCCTGGAATTGATGAAGAAACCAG-3'
Protein context (NP_001035957.1, residues 2721-2741): QTQIPDYAEL[Ile2731Thr]VKFLDALIDT

ClinVar aggregate classification (germline): Uncertain significance. Review status: criteria provided, multiple submitters, no conflicts (2 of 4 stars). 2 submissions from 2 submitters: Uncertain significance (2). Last evaluated 2025-09-24.

Conditions:
Hereditary cancer-predisposing syndrome. Also called: Tumor predisposition; Hereditary neoplastic syndrome; Neoplastic Syndromes, Hereditary; Hereditary Cancer Syndrome. Identifiers: Orphanet 140162, MedGen C0027672, MeSH D009386, MONDO:0015356.
Cardiovascular phenotype. Identifiers: MedGen CN230736.
Neurofibromatosis, type 1 (NF1). Also called: Peripheral type neurofibromatosis; VON RECKLINGHAUSEN DISEASE; Neurofibromatosis, type I; NEUROFIBROMATOSIS, TYPE I, SOMATIC. Identifiers: Orphanet 636, MedGen C0027831, MONDO:0018975, OMIM 162200. Disease mechanism: loss of function.

Allele frequency attached by ClinVar (database versions not stated): gnomAD exomes below 0.00001; gnomAD 0.00001.
gnomAD v4.1: 2 of 1,614,032 alleles (0.00012%); highest among the groups gnomAD compares: African/African-American, 0.0013%; no homozygotes.

Submissions (2):

Labcorp Genetics (formerly Invitae), Labcorp
Classification: Uncertain significance for Neurofibromatosis, type 1. Last evaluated: 2025-09-24. Review status: criteria provided, single submitter. Criteria: Invitae Variant Classification Sherloc (09022015). Collection method: clinical testing. Allele origin: germline.
Comment: This sequence change replaces isoleucine, which is neutral and non-polar, with threonine, which is neutral and polar, at codon 2710 of the NF1 protein (p.Ile2710Thr). This variant is not present in population databases (gnomAD no frequency). This variant has not been reported in the literature in individuals affected with NF1-related conditions. ClinVar contains an entry for this variant (Variation ID: 936582). Invitae Evidence Modeling of protein sequence and biophysical properties (such as structural, functional, and spatial information, amino acid conservation, physicochemical variation, residue mobility, and thermodynamic stability) indicates that this missense variant is not expected to disrupt NF1 protein function with a negative predictive value of 95%. In summary, the available evidence is currently insufficient to determine the role of this variant in disease. Therefore, it has been classified as a Variant of Uncertain Significance.

Ambry Genetics
Classification: Uncertain significance for Cardiovascular phenotype; Hereditary cancer-predisposing syndrome. Last evaluated: 2025-07-13. Review status: criteria provided, single submitter. Criteria: Ambry Variant Classification Scheme 2023. Collection method: clinical testing. Allele origin: germline.
Comment: The p.I2710T variant (also known as c.8129T>C), located in coding exon 56 of the NF1 gene, results from a T to C substitution at nucleotide position 8129. The isoleucine at codon 2710 is replaced by threonine, an amino acid with similar properties. This amino acid position is conserved. In addition, the in silico prediction for this alteration is inconclusive. Based on the available evidence, the clinical significance of this variant remains unclear.